The following is an entry in ClinVar:

NM_023110.3(FGFR1):c.2293-1G>T

Gene: FGFR1 (fibroblast growth factor receptor 1; minus strand). Cytogenetic location: 8p11.23.
Variant type: single nucleotide variant.
Coding change: c.2293-1G>T on transcript NM_023110.3 (MANE Select); the canonical splice acceptor site of the intron before coding-DNA position 2293, G replaced by T.
Molecular consequence: splice acceptor variant. On other transcripts: intron variant (3).
Genome position (GRCh38, 1-based): chr8:38,413,805, C>A on the plus strand (G>T on the coding strand, the complement: FGFR1 is on the minus strand). VCF-style: chr8-38413805-C-A. GRCh37 (hg19) VCF-style: chr8-38271323-C-A.
Other names: c.2014-1G>T (NM_001354368.2); c.2019+113G>T (NM_001354370.2); c.2020-1G>T (NM_023106.3); c.2026-1G>T (NM_023105.3, NM_001174066.2); c.2286+113G>T (NM_001354367.2); c.2287-1G>T (NM_015850.4, NM_001174063.2, NM_001174065.2); c.2263-1G>T (NM_001174064.2); c.2280+113G>T (NM_001354369.2); and 2 more.
Identifiers: ClinVar variation 2505407 (VCV002505407.1), dbSNP rs2150512605, ClinGen allele CA370727627.

ClinVar aggregate classification (germline): Pathogenic (1 of 4 stars; one submission).

Conditions:
Hypogonadotropic hypogonadism 2 with or without anosmia (HH2). Also called: FGFR1-Related GnRH Deficiency (Kallmann Syndrome 2); HYPOGONADOTROPIC HYPOGONADISM 2 WITHOUT ANOSMIA; HYPOGONADOTROPIC HYPOGONADISM 2 WITH OR WITHOUT ANOSMIA, SUSCEPTIBILITY TO; HYPOGONADOTROPIC HYPOGONADISM 2 WITHOUT ANOSMIA, SUSCEPTIBILITY TO. Identifiers: Orphanet 478, MedGen C1563720, MONDO:0007844, OMIM 147950. Disease mechanism: loss of function.

Submission:

Reproductive Endocrine Unit, Massachusetts General Hospital
Classification: Pathogenic for Hypogonadotropic hypogonadism 2 with or without anosmia. Last evaluated: 2023-05-04. Review status: criteria provided, single submitter. Criteria: ACMG Guidelines, 2015. Collection method: research. Allele origin: unknown. Affected: yes. Observed: 1 variant allele.
Comment: The variant NM_023110.2:c.2293-1G>T, has been classified as P1c based on the variant meeting the following ACMG Criteria: PVS1,PM2,PP3.